The following is an entry in ClinVar:

ClinVar aggregate classification (germline): Pathogenic. Review status: criteria provided, multiple submitters, no conflicts (2 of 4 stars). 2 submissions from 2 submitters: Pathogenic (2). Last evaluated 2024-09-10.

Conditions:
Glucose-6-phosphate transport defect (GSD1B). Also called: Glycogen Storage Disease Type Ib; GSD Ib. Identifiers: Orphanet 364, Orphanet 79259, MedGen C0268146, MONDO:0009288, OMIM 232220.

Submissions (2):

Women's Health and Genetics/Laboratory Corporation of America, LabCorp
Classification: Pathogenic for Glucose-6-phosphate transport defect. Last evaluated: 2024-09-10. Review status: criteria provided, single submitter. Criteria: LabCorp Variant Classification Summary - May 2015. Collection method: clinical testing. Allele origin: germline.
Comment: Variant summary: SLC37A4 c.795C>G (p.Tyr265X) results in a premature termination codon, predicted to cause absence of the protein due to nonsense mediated decay, which is a commonly known mechanism for disease. The variant was absent in 222526 control chromosomes. To our knowledge, no occurrence of c.795C>G in individuals affected with Glycogen Storage Disease Type Ib and no experimental evidence demonstrating its impact on protein function have been reported. ClinVar contains an entry for this variant (Variation ID: 2678959). Based on the evidence outlined above, the variant was classified as pathogenic.

Baylor Genetics
Classification: Pathogenic for Glucose-6-phosphate transport defect. Last evaluated: 2023-03-08. Review status: criteria provided, single submitter. Criteria: ACMG Guidelines, 2015. Collection method: clinical testing. Allele origin: unknown.

NM_001164277.2(SLC37A4):c.795C>G (p.Tyr265Ter)

Gene: SLC37A4 (solute carrier family 37 member 4; minus strand). Cytogenetic location: 11q23.3.
Variant type: single nucleotide variant.
Coding change: c.795C>G on transcript NM_001164277.2 (MANE Select); coding-DNA position 795, C replaced by G.
Protein change: p.Tyr265Ter; replaces tyrosine 265 with a stop codon.
Molecular consequence: nonsense.
Genome position (GRCh38, 1-based): chr11:119,026,678, G>C on the plus strand (C>G on the coding strand, the complement: SLC37A4 is on the minus strand). VCF-style: chr11-119026678-G-C. GRCh37 (hg19) VCF-style: chr11-118897388-G-C.
Other names: c.795C>G, p.Tyr265Ter (NM_001164278.2, NM_001164280.2, NM_001467.6); c.576C>G, p.Tyr192Ter (NM_001164279.2); short protein forms Y192*, Y265*.
Identifiers: ClinVar variation 2678959 (VCV002678959.2), dbSNP rs2134633831, ClinGen allele CA382900560.